The following is an entry in ClinVar:

ClinVar aggregate classification (germline): Benign/Likely benign. Review status: criteria provided, multiple submitters, no conflicts (2 of 4 stars). 12 submissions from 12 submitters: Benign (7); Likely benign (3). 2 of the submissions do not count toward it. Last evaluated 2026-09-01.

Conditions:
TH-deficient dopa-responsive dystonia. Also called: DYT-TH; Segawa syndrome, autosomal recessive; Tyrosine Hydroxylase-Deficient Dopa-Responsive Dystonia. Identifiers: Orphanet 101150, MedGen C2673535, MONDO:0011551, OMIM 605407.

Allele frequency attached by ClinVar (database versions not stated): 1000 Genomes Project 0.00120; 1000 Genomes Project 30x 0.00125; ESP Exome Variant Server 0.00545; gnomAD exomes 0.00559; gnomAD 0.00600 and 0.00706; TOPMed 0.00655; ExAC 0.00872.
gnomAD v4.1: 13,478 of 1,563,192 alleles (0.86%); highest among the groups gnomAD compares: Non-Finnish European, 1%; 78 homozygotes.

Submissions (12):

CeGaT Center for Human Genetics Tuebingen
Classification: Benign. Last evaluated: 2026-09-01. Review status: criteria provided, single submitter. Criteria: CeGaT Center For Human Genetics Tuebingen Variant Classification Criteria Version 2. Collection method: clinical testing. Allele origin: germline. Affected: yes. Observed: 49 variant alleles.
Comment: TH: BP4, BP7, BS1, BS2

Labcorp Genetics (formerly Invitae), Labcorp
Classification: Benign for TH-deficient dopa-responsive dystonia. Last evaluated: 2026-02-02. Review status: criteria provided, single submitter. Criteria: Invitae Variant Classification Sherloc (09022015). Collection method: clinical testing. Allele origin: germline.

Women's Health and Genetics/Laboratory Corporation of America, LabCorp
Classification: Benign. Last evaluated: 2025-09-02. Review status: criteria provided, single submitter. Criteria: LabCorp Variant Classification Summary - May 2015. Collection method: clinical testing. Allele origin: germline.

Athena Diagnostics
Classification: Benign. Last evaluated: 2024-11-18. Review status: criteria provided, single submitter. Criteria: Athena Diagnostics Criteria. Collection method: clinical testing. Allele origin: unknown.

Mayo Clinic Laboratories, Mayo Clinic
Classification: Benign. Last evaluated: 2023-02-02. Review status: criteria provided, single submitter. Criteria: ACMG Guidelines, 2015. Collection method: clinical testing. Allele origin: germline. Observed: 22 variant alleles.
Comment: BS1, BS2, BP4, BP7

GeneDx
Classification: Likely benign. Last evaluated: 2021-04-23. Review status: criteria provided, single submitter. Criteria: GeneDx Variant Classification Process June 2021. Collection method: clinical testing. Allele origin: germline. Affected: yes.

Illumina Laboratory Services, Illumina
Classification: Benign for TH-deficient dopa-responsive dystonia. Last evaluated: 2018-01-13. Review status: criteria provided, single submitter. Criteria: ICSL Variant Classification Criteria 13 December 2019. Collection method: clinical testing. Allele origin: germline.
Comment: This variant was observed in the ICSL laboratory as part of a predisposition screen in an ostensibly healthy population. It had not been previously curated by ICSL or reported in the Human Gene Mutation Database (HGMD: prior to June 1st, 2018), and was therefore a candidate for classification through an automated scoring system. Utilizing variant allele frequency, disease prevalence and penetrance estimates, and inheritance mode, an automated score was calculated to assess if this variant is too frequent to cause the disease. Based on the score and internal cut-off values, a variant classified as benign is not then subjected to further curation. The score for this variant resulted in a classification of benign for this disease.

Eurofins Ntd Llc (ga)
Classification: Benign. Last evaluated: 2016-05-24. Review status: criteria provided, single submitter. Criteria: EGL Classification Definitions 2015. Collection method: clinical testing. Allele origin: germline. Observed: 1 variant allele, 1 heterozygote.

Clinical Genetics DNA and cytogenetics Diagnostics Lab, Erasmus MC, Erasmus Medical Center
Classification: Likely benign for TH-deficient dopa-responsive dystonia. Last evaluated: 2015-09-21. Review status: criteria provided, single submitter. Criteria: ACGS Guidelines, 2013. Collection method: clinical testing. Allele origin: germline. Affected: yes. Study: VKGL Data-share Consensus.

Breakthrough Genomics
Classification: Likely benign. Review status: criteria provided, single submitter. Criteria: ACMG Guidelines, 2015. Collection method: not provided. Allele origin: germline. Inheritance: Autosomal recessive inheritance. Affected: yes.

Natera, Inc.
Classification: Benign for Autosomal recessive Segawa syndrome. Last evaluated: 2019-10-18. Review status: no assertion criteria provided. Collection method: clinical testing. Allele origin: germline. Not counted in ClinVar's aggregate classification.

Diagnostic Laboratory, Department of Genetics, University Medical Center Groningen
Classification: Likely benign for TH-deficient dopa-responsive dystonia. Review status: no assertion criteria provided. Collection method: clinical testing. Allele origin: germline. Affected: yes. Study: VKGL Data-share Consensus. Not counted in ClinVar's aggregate classification.

Literature cited by the submitters: PubMed 16643317 (cited by Athena Diagnostics).

NM_000360.4(TH):c.684G>A (p.Glu228=)

Gene: TH (tyrosine hydroxylase; minus strand). Cytogenetic location: 11p15.5.
Variant type: single nucleotide variant.
Coding change: c.684G>A on transcript NM_000360.4 (MANE Select); coding-DNA position 684, G replaced by A.
Protein change: p.Glu228=; no amino-acid change (glutamic acid 228 retained).
Molecular consequence: synonymous variant.
Genome position (GRCh38, 1-based): chr11:2,167,446, C>T on the plus strand (G>A on the coding strand, the complement: TH is on the minus strand). VCF-style: chr11-2167446-C-T. GRCh37 (hg19) VCF-style: chr11-2188676-C-T.
Other names: p.Glu259=; c.777G>A, p.Glu259= (NM_199292.3); c.765G>A, p.Glu255= (NM_199293.3).
Identifiers: ClinVar variation 242255 (VCV000242255.60), dbSNP rs11564716, ClinGen allele CA5818538.